The following is an entry in ClinVar:

ClinVar aggregate classification (germline): Uncertain significance (1 of 4 stars; one submission).

Conditions:
Nemaline myopathy 6 (NEM6). Also called: Nemaline myopathy 6, autosomal dominant. Identifiers: Orphanet 171439, MedGen C1836472, MONDO:0012237, OMIM 609273.

Allele frequency attached by ClinVar (database versions not stated): gnomAD 0.00001; TOPMed 0.00001.

Submission:

Labcorp Genetics (formerly Invitae), Labcorp
Classification: Uncertain significance for Nemaline myopathy 6. Last evaluated: 2022-07-25. Review status: criteria provided, single submitter. Criteria: Invitae Variant Classification Sherloc (09022015). Collection method: clinical testing. Allele origin: germline.
Comment: Algorithms developed to predict the effect of missense changes on protein structure and function (SIFT, PolyPhen-2, Align-GVGD) all suggest that this variant is likely to be tolerated. In summary, the available evidence is currently insufficient to determine the role of this variant in disease. Therefore, it has been classified as a Variant of Uncertain Significance. This variant has not been reported in the literature in individuals affected with KBTBD13-related conditions. This variant is not present in population databases (gnomAD no frequency). This sequence change replaces glycine, which is neutral and non-polar, with glutamic acid, which is acidic and polar, at codon 56 of the KBTBD13 protein (p.Gly56Glu). ClinVar contains an entry for this variant (Variation ID: 464346).

NM_001101362.3(KBTBD13):c.167G>A (p.Gly56Glu)

Gene: KBTBD13 (kelch repeat and BTB domain containing 13; plus strand). Cytogenetic location: 15q22.31.
Variant type: single nucleotide variant.
Coding change: c.167G>A on transcript NM_001101362.3 (MANE Select); coding-DNA position 167, G replaced by A.
Protein change: p.Gly56Glu; replaces glycine 56 with glutamic acid.
Molecular consequence: missense variant.
Genome position (GRCh38, 1-based): chr15:65,076,982, G>A. VCF-style: chr15-65076982-G-A. GRCh37 (hg19) VCF-style: chr15-65369320-G-A.
Other names: short protein forms G56E.
Identifiers: ClinVar variation 464346 (VCV000464346.8), dbSNP rs1242559901, ClinGen allele CA392856801.